The following is an entry in ClinVar:

NM_004974.4(KCNA2):c.1216G>A (p.Val406Ile)

Gene: KCNA2 (potassium voltage-gated channel subfamily A member 2; minus strand). Cytogenetic location: 1p13.3.
Variant type: single nucleotide variant.
Coding change: c.1216G>A on transcript NM_004974.4 (MANE Select); coding-DNA position 1216, G replaced by A.
Protein change: p.Val406Ile; replaces valine 406 with isoleucine.
Molecular consequence: missense variant. On other transcripts: intron variant (1).
Genome position (GRCh38, 1-based): chr1:110,603,567, C>T on the plus strand (G>A on the coding strand, the complement: KCNA2 is on the minus strand). VCF-style: chr1-110603567-C-T. GRCh37 (hg19) VCF-style: chr1-111146189-C-T.
Other names: c.894+322G>A (NM_001204269.2); short protein forms V406I.
Identifiers: ClinVar variation 1385004 (VCV001385004.9), dbSNP rs1553181257, ClinGen allele CA341601284.

ClinVar aggregate classification (germline): Uncertain significance. Review status: criteria provided, multiple submitters, no conflicts (2 of 4 stars). 2 submissions from 2 submitters: Uncertain significance (2). Last evaluated 2024-06-09.

Conditions:
Developmental and epileptic encephalopathy, 32 (DEE32). Also called: Epileptic encephalopathy, early infantile, 32. Identifiers: Orphanet 442835, MedGen C4225350, MONDO:0014607, OMIM 616366.

Submissions (2):

Clinical Genomics Laboratory, Washington University in St. Louis
Classification: Uncertain significance for Developmental and epileptic encephalopathy, 32. Last evaluated: 2024-06-09. Review status: criteria provided, single submitter. Criteria: ACMG Guidelines, 2015. Collection method: clinical testing. Allele origin: germline.
Comment: The KCNA2 c.1216G>A (p.Val406Ile) variant, to our knowledge, has not been reported in the medical literature. This variant is absent from the general population (gnomAD v.2.1.1), indicating it is not a common variant. Computational predictors indicate that the variant is damaging, evidence that correlates with impact to KCNA2 function. Another variant in the same codon, c.1216G>T (p.Val406Phe), has been reported in affected individuals and is considered pathogenic and likely pathogenic (ClinVar Variation ID: 542666). A recurrent variant nearby, c.1214C>T (p.Pro405Leu), has been reported as pathogenic as it affects the highly conserved pore domain responsible for gating ion flow (Syrbe S et al., PMID: 25751627). Due to limited information, and based on ACMG/AMP guidelines for variant interpretation (Richards S et al., PMID: 25741868), the clinical significance of this variant is uncertain at this time.

Labcorp Genetics (formerly Invitae), Labcorp
Classification: Uncertain significance for Developmental and epileptic encephalopathy, 32. Last evaluated: 2020-12-18. Review status: criteria provided, single submitter. Criteria: Invitae Variant Classification Sherloc (09022015). Collection method: clinical testing. Allele origin: germline.
Comment: This variant has not been reported in the literature in individuals with KCNA2-related conditions. In summary, the available evidence is currently insufficient to determine the role of this variant in disease. Therefore, it has been classified as a Variant of Uncertain Significance. Advanced modeling of protein sequence and biophysical properties (such as structural, functional, and spatial information, amino acid conservation, physicochemical variation, residue mobility, and thermodynamic stability) performed at Invitae indicates that this missense variant is expected to disrupt KCNA2 protein function. This variant is not present in population databases (ExAC no frequency). This sequence change replaces valine with isoleucine at codon 406 of the KCNA2 protein (p.Val406Ile). The valine residue is highly conserved and there is a small physicochemical difference between valine and isoleucine.